The following is an entry in ClinVar:

ClinVar aggregate classification (germline): Uncertain significance. Review status: criteria provided, multiple submitters, no conflicts (2 of 4 stars). 7 submissions from 7 submitters: Uncertain significance (6). 1 of the submissions does not count toward it. Last evaluated 2026-01-15.

Conditions:
CBL-related disorder. Also called: NOONAN SYNDROME-LIKE DISORDER WITHOUT JUVENILE MYELOMONOCYTIC LEUKEMIA; CBL MUTATION-ASSOCIATED SYNDROME; CBL SYNDROME. Identifiers: Orphanet 363972, MedGen C3150803, MONDO:0013308, OMIM 613563.
Cardiovascular phenotype. Identifiers: MedGen CN230736.
RASopathy. Also called: rasopathies; Noonan spectrum disorder. Identifiers: Orphanet 536391, MedGen C5555857, MONDO:0021060.
Juvenile myelomonocytic leukemia (JMML). Also called: LEUKEMIA, JUVENILE MYELOMONOCYTIC, SOMATIC. Identifiers: Orphanet 86834, MedGen C0349639, MONDO:0011908, OMIM 607785, HP:0012209.

Allele frequency attached by ClinVar (database versions not stated): gnomAD exomes below 0.00001 and 0.00002; TOPMed 0.00001.
gnomAD v4.1: 34 of 1,595,448 alleles (0.0021%); highest among the groups gnomAD compares: Non-Finnish European, 0.0028%; no homozygotes.

Submissions (7):

Labcorp Genetics (formerly Invitae), Labcorp
Classification: Uncertain significance for RASopathy. Last evaluated: 2026-01-15. Review status: criteria provided, single submitter. Criteria: Invitae Variant Classification Sherloc (09022015). Collection method: clinical testing. Allele origin: germline.
Comment: This sequence change replaces proline, which is neutral and non-polar, with serine, which is neutral and polar, at codon 684 of the CBL protein (p.Pro684Ser). This variant is present in population databases (rs587778154, gnomAD 0.0009%). This variant has not been reported in the literature in individuals affected with CBL-related conditions. ClinVar contains an entry for this variant (Variation ID: 133807). Invitae Evidence Modeling of protein sequence and biophysical properties (such as structural, functional, and spatial information, amino acid conservation, physicochemical variation, residue mobility, and thermodynamic stability) indicates that this missense variant is not expected to disrupt CBL protein function with a negative predictive value of 95%. In summary, the available evidence is currently insufficient to determine the role of this variant in disease. Therefore, it has been classified as a Variant of Uncertain Significance.

Ambry Genetics
Classification: Uncertain significance for Cardiovascular phenotype. Last evaluated: 2025-10-15. Review status: criteria provided, single submitter. Criteria: Ambry Variant Classification Scheme 2023. Collection method: clinical testing. Allele origin: germline.
Comment: The p.P684S variant (also known as c.2050C>T), located in coding exon 13 of the CBL gene, results from a C to T substitution at nucleotide position 2050. The proline at codon 684 is replaced by serine, an amino acid with similar properties. This amino acid position is well conserved in available vertebrate species. In addition, this alteration is predicted to be tolerated by in silico analysis. Based on the available evidence, the clinical significance of this variant remains unclear.

Clinical Genetics Laboratory, Skane University Hospital Lund
Classification: Uncertain significance. Last evaluated: 2022-12-05. Review status: criteria provided, single submitter. Criteria: ACMG Guidelines, 2015. Collection method: clinical testing. Allele origin: germline. Affected: yes.

Johns Hopkins Genomics, Johns Hopkins University
Classification: Uncertain significance for Juvenile myelomonocytic leukemia. Last evaluated: 2021-09-01. Review status: criteria provided, single submitter. Criteria: ACMG Guidelines, 2015. Collection method: clinical testing. Allele origin: germline.
Comment: This CBL variant (rs587778154) is rare (<0.1%) in a large population dataset (gnomAD: 1/251236 total alleles; 0.00004%; no homozygotes) and has been reported in ClinVar. It has also been reported in a cohort of healthy individuals who were screened for variation in cancer-suceptibility genes. Three bioinformatic tools queried predict that this substitution would be tolerated and the proline residue at this position is evolutionarily conserved across most species assessed. We consider the clinical significance of CBL c.2050C>T to be uncertain at this time.

Illumina Laboratory Services, Illumina
Classification: Uncertain significance for CBL-related disorder. Last evaluated: 2018-01-13. Review status: criteria provided, single submitter. Criteria: ICSL Variant Classification Criteria 13 December 2019. Collection method: clinical testing. Allele origin: germline.

GeneDx
Classification: Uncertain significance. Last evaluated: 2016-12-19. Review status: criteria provided, single submitter. Criteria: GeneDx Variant Classification (06012015). Collection method: clinical testing. Allele origin: germline. Affected: yes.
Comment: The P684S variant has been published previously as a variant of uncertain significance as part of a study investigating cancer susceptibility variants in a healthy population (Bodian et al., 2014). The variant was not observed in approximately 6,500 individuals of European and African American ancestry in the NHLBI Exome Sequencing Project, indicating it is not a common benign variant in these populations. P684S is a non-conservative amino acid substitution, which is likely to impact secondary protein structure as these residues differ in polarity, charge, size and/or other properties. This substitution occurs at a position that is conserved in mammals; however, in silico analysis is inconsistent in its predictions as to whether or not the variant is damaging to the protein structure/function. Therefore, based on the currently available information, it is unclear whether this variant is a pathogenic variant or a rare benign variant.

ITMI
No classification provided. Condition: AllHighlyPenetrant. Last evaluated: 2013-09-19. Review status: no classification provided. Collection method: reference population. Allele origin: germline. Not counted in ClinVar's aggregate classification.
Comment: Please see associated publication for description of ethnicities

Literature cited by the submitters: PubMed 24728327 (cited by Johns Hopkins Genomics, Johns Hopkins University and ITMI).

NM_005188.4(CBL):c.2050C>T (p.Pro684Ser)

Gene: CBL (Cbl proto-oncogene; plus strand). Cytogenetic location: 11q23.3.
Variant type: single nucleotide variant.
Coding change: c.2050C>T on transcript NM_005188.4 (MANE Select); coding-DNA position 2050, C replaced by T.
Protein change: p.Pro684Ser; replaces proline 684 with serine.
Molecular consequence: missense variant.
Genome position (GRCh38, 1-based): chr11:119,296,931, C>T. VCF-style: chr11-119296931-C-T. GRCh37 (hg19) VCF-style: chr11-119167641-C-T.
Other names: short protein forms P684S.
Identifiers: ClinVar variation 133807 (VCV000133807.13), dbSNP rs587778154, ClinGen allele CA157848.
Genomic context (GRCh38, chr11:119,296,931, plus strand): 5'-TACTGGTTTGTTACTTCTTTTTCTATTTTTTATTCTTCATCTTCCAGACCTCTTCCTGTG[C>T]CAAAACTGCCACCTGGGGAGCAATGTGAGGGTGAAGAGGACACAGAGTACATGACTCCCT-3'
Protein context (NP_005179.2, residues 674-694): YSLAARPLPV[Pro684Ser]KLPPGEQCEG